The following is an entry in ClinVar:

NM_005566.4(LDHA):c.162C>T (p.Ile54=)

Gene: LDHA (lactate dehydrogenase A; plus strand). Cytogenetic location: 11p15.1.
Variant type: single nucleotide variant.
Coding change: c.162C>T on transcript NM_005566.4 (MANE Select); coding-DNA position 162, C replaced by T.
Protein change: p.Ile54=; no amino-acid change (isoleucine 54 retained).
Molecular consequence: synonymous variant.
Genome position (GRCh38, 1-based): chr11:18,399,466, C>T. VCF-style: chr11-18399466-C-T. GRCh37 (hg19) VCF-style: chr11-18421013-C-T.
Other names: c.162C>T, p.Ile54= (NM_001135239.2, NM_001165415.2, NM_001165416.2); c.249C>T, p.Ile83= (NM_001165414.2).
Identifiers: ClinVar variation 509774 (VCV000509774.9), dbSNP rs200075826, ClinGen allele CA5911209.
Genomic context (GRCh38, chr11:18,399,466, plus strand): 5'-TAACTAAAGATTTGATGTCTTTTAGGACTTGGCAGATGAACTTGCTCTTGTTGATGTCAT[C>T]GAAGACAAATTGAAGGGAGAGATGATGGATCTCCAACATGGCAGCCTTTTCCTTAGAACA-3'
Protein context (NP_005557.1, residues 44-64): LADELALVDV[Ile54=]EDKLKGEMMD

ClinVar aggregate classification (germline): Likely benign. Review status: criteria provided, multiple submitters, no conflicts (2 of 4 stars). 2 submissions from 2 submitters: Likely benign (2). Last evaluated 2024-09-26.

Conditions:
Glycogen storage disease due to lactate dehydrogenase M-subunit deficiency (GSD11). Also called: GSD XI; LACTATE DEHYDROGENASE A DEFICIENCY; Glycogen storage disease XI. Identifiers: Orphanet 284426, MedGen C2931743, MONDO:0013047, OMIM 612933.

Allele frequency attached by ClinVar (database versions not stated): TOPMed 0.00001; gnomAD exomes 0.00005 and 0.00009; ExAC 0.00008.

Submissions (2):

Labcorp Genetics (formerly Invitae), Labcorp
Classification: Likely benign for Glycogen storage disease due to lactate dehydrogenase M-subunit deficiency. Last evaluated: 2024-09-26. Review status: criteria provided, single submitter. Criteria: Invitae Variant Classification Sherloc (09022015). Collection method: clinical testing. Allele origin: germline.

GeneDx
Classification: Likely benign. Last evaluated: 2017-06-02. Review status: criteria provided, single submitter. Criteria: GeneDx Variant Classification (06012015). Collection method: clinical testing. Allele origin: germline. Affected: yes.
Comment: This variant is considered likely benign or benign based on one or more of the following criteria: it is a conservative change, it occurs at a poorly conserved position in the protein, it is predicted to be benign by multiple in silico algorithms, and/or has population frequency not consistent with disease.